The following is an entry in ClinVar:

NM_005548.3(KARS1):c.806C>A (p.Pro269His)

Gene: KARS1 (lysyl-tRNA synthetase 1; minus strand). Cytogenetic location: 16q23.1.
Variant type: single nucleotide variant.
Coding change: c.806C>A on transcript NM_005548.3 (MANE Select); coding-DNA position 806, C replaced by A.
Protein change: p.Pro269His; replaces proline 269 with histidine.
Molecular consequence: missense variant.
Genome position (GRCh38, 1-based): chr16:75,634,282, G>T on the plus strand (C>A on the coding strand, the complement: KARS1 is on the minus strand). VCF-style: chr16-75634282-G-T. GRCh37 (hg19) VCF-style: chr16-75668180-G-T.
Other names: c.890C>A, p.Pro297His (NM_001130089.2); c.338C>A, p.Pro113His (NM_001378148.1); short protein forms P269H, P297H, P113H.
Identifiers: ClinVar variation 2113976 (VCV002113976.4), dbSNP rs2507564831, ClinGen allele CA396812591.
Genomic context (GRCh38, chr16:75,634,282, plus strand): 5'-TCGTTGTGATAAGTGATGAAAGGCTTGGCCACGGCTCCCCCTGGGATGATGTTCATCATG[G>T]GAGTTTCAATCTAAAAAAGGCAGGGAGAAACATCAGTCCTTAGATAACCAGAGGCCTTGG-3'
Protein context (NP_005539.1, residues 259-279): DELGFLEIET[Pro269His]MMNIIPGGAV

ClinVar aggregate classification (germline): Uncertain significance (1 of 4 stars; one submission).

gnomAD v4.1: 1 of 1,614,000 alleles (0.000062%); highest among the groups gnomAD compares: Non-Finnish European, 0.000085%; no homozygotes.

Submission:

Labcorp Genetics (formerly Invitae), Labcorp
Classification: Uncertain significance. Last evaluated: 2023-11-27. Review status: criteria provided, single submitter. Criteria: Invitae Variant Classification Sherloc (09022015). Collection method: clinical testing. Allele origin: germline.
Comment: This sequence change replaces proline, which is neutral and non-polar, with histidine, which is basic and polar, at codon 297 of the KARS protein (p.Pro297His). This variant is not present in population databases (gnomAD no frequency). This variant has not been reported in the literature in individuals affected with KARS-related conditions. ClinVar contains an entry for this variant (Variation ID: 2113976). Advanced modeling of protein sequence and biophysical properties (such as structural, functional, and spatial information, amino acid conservation, physicochemical variation, residue mobility, and thermodynamic stability) performed at Invitae indicates that this missense variant is expected to disrupt KARS protein function with a positive predictive value of 80%. In summary, the available evidence is currently insufficient to determine the role of this variant in disease. Therefore, it has been classified as a Variant of Uncertain Significance.